The following is an entry in ClinVar:

ClinVar aggregate classification (germline): Uncertain significance. Review status: criteria provided, multiple submitters, no conflicts (2 of 4 stars). 3 submissions from 3 submitters: Uncertain significance (2). 1 of the submissions does not count toward it. Last evaluated 2024-11-05.

Conditions:
Cone-rod dystrophy and hearing loss 1 (CRDHL1). Identifiers: MedGen C5193018, MONDO:0020778, OMIM 617236.

Allele frequency attached by ClinVar (database versions not stated): gnomAD exomes below 0.00001 and 0.00003; gnomAD 0.00001; TOPMed 0.00002; ExAC 0.00004.
gnomAD v4.1: 4 of 1,611,700 alleles (0.00025%); highest among the groups gnomAD compares: East Asian, 0.0089%; no homozygotes.

Submissions (3):

Labcorp Genetics (formerly Invitae), Labcorp
Classification: Uncertain significance. Last evaluated: 2024-11-05. Review status: criteria provided, single submitter. Criteria: Invitae Variant Classification Sherloc (09022015). Collection method: clinical testing. Allele origin: germline.
Comment: This sequence change replaces leucine, which is neutral and non-polar, with proline, which is neutral and non-polar, at codon 277 of the CEP78 protein (p.Leu277Pro). This variant is present in population databases (rs751411534, gnomAD 0.05%). This missense change has been observed in individuals with clinical features of CEP78-related conditions (PMID: 34130719; internal data). ClinVar contains an entry for this variant (Variation ID: 1364999). Invitae Evidence Modeling of protein sequence and biophysical properties (such as structural, functional, and spatial information, amino acid conservation, physicochemical variation, residue mobility, and thermodynamic stability) indicates that this missense variant is expected to disrupt CEP78 protein function with a positive predictive value of 80%. In summary, the available evidence is currently insufficient to determine the role of this variant in disease. Therefore, it has been classified as a Variant of Uncertain Significance.

Blueprint Genetics
Classification: Uncertain significance. Last evaluated: 2023-09-22. Review status: criteria provided, single submitter. Criteria: ACMG Guidelines, 2015. Collection method: clinical testing. Allele origin: germline.

OMIM
Classification: Pathogenic for CONE-ROD DYSTROPHY AND HEARING LOSS 1. Last evaluated: 2024-10-30. Review status: no assertion criteria provided. Collection method: literature only. Allele origin: germline. Not counted in ClinVar's aggregate classification.

Literature cited by the submitters: PubMed 34130719 (cited by Labcorp Genetics (formerly Invitae), Labcorp and OMIM); PubMed 34223797 (cited by OMIM).

NM_001330691.3(CEP78):c.830T>C (p.Leu277Pro)

Gene: CEP78 (centrosomal protein 78; plus strand). Cytogenetic location: 9q21.2.
Variant type: single nucleotide variant.
Coding change: c.830T>C on transcript NM_001330691.3 (MANE Select); coding-DNA position 830, T replaced by C.
Protein change: p.Leu277Pro; replaces leucine 277 with proline.
Molecular consequence: missense variant.
Genome position (GRCh38, 1-based): chr9:78,246,720, T>C. VCF-style: chr9-78246720-T-C. GRCh37 (hg19) VCF-style: chr9-80861636-T-C.
Other names: c.830T>C, p.Leu277Pro (NM_001098802.3, NM_001330693.3, NM_001330694.2 and 4 more transcripts); short protein forms L277P.
Identifiers: ClinVar variation 1364999 (VCV001364999.8), dbSNP rs751411534, ClinGen allele CA5095037.